The following is an entry in ClinVar:

ClinVar aggregate classification (germline): Uncertain significance (1 of 4 stars; one submission).

Conditions:
Primary ciliary dyskinesia. Also called: Ciliary dyskinesia. Identifiers: Orphanet 244, MedGen C0008780, MONDO:0016575, HP:0012265.

Allele frequency attached by ClinVar (database versions not stated): gnomAD exomes 0.00002; ExAC 0.00003; TOPMed 0.00005; 1000 Genomes Project 30x 0.00016; 1000 Genomes Project 0.00020.
gnomAD v4.1: 36 of 1,608,230 alleles (0.0022%); highest among the groups gnomAD compares: East Asian, 0.022%; no homozygotes.

Submission:

Labcorp Genetics (formerly Invitae), Labcorp
Classification: Uncertain significance for Primary ciliary dyskinesia. Last evaluated: 2022-09-12. Review status: criteria provided, single submitter. Criteria: Invitae Variant Classification Sherloc (09022015). Collection method: clinical testing. Allele origin: germline.
Comment: This sequence change replaces isoleucine, which is neutral and non-polar, with threonine, which is neutral and polar, at codon 258 of the DNAI2 protein (p.Ile258Thr). This variant is present in population databases (rs560319154, gnomAD 0.02%). This variant has not been reported in the literature in individuals affected with DNAI2-related conditions. Advanced modeling of protein sequence and biophysical properties (such as structural, functional, and spatial information, amino acid conservation, physicochemical variation, residue mobility, and thermodynamic stability) performed at Invitae indicates that this missense variant is not expected to disrupt DNAI2 protein function. In summary, the available evidence is currently insufficient to determine the role of this variant in disease. Therefore, it has been classified as a Variant of Uncertain Significance.

NM_023036.6(DNAI2):c.773T>C (p.Ile258Thr)

Gene: DNAI2 (dynein axonemal intermediate chain 2; plus strand). Cytogenetic location: 17q25.1.
Variant type: single nucleotide variant.
Coding change: c.773T>C on transcript NM_023036.6 (MANE Select); coding-DNA position 773, T replaced by C.
Protein change: p.Ile258Thr; replaces isoleucine 258 with threonine.
Molecular consequence: missense variant. On other transcripts: non-coding transcript variant (1).
Genome position (GRCh38, 1-based): chr17:74,299,766, T>C. VCF-style: chr17-74299766-T-C. GRCh37 (hg19) VCF-style: chr17-72295905-T-C.
Other names: c.773T>C, p.Ile258Thr (NM_001172810.3, NM_001353167.2); short protein forms I258T.
Identifiers: ClinVar variation 2149065 (VCV002149065.1), dbSNP rs560319154, ClinGen allele CA8745490.